The following is an entry in ClinVar:

NM_003803.4(MYOM1):c.3323G>A (p.Gly1108Asp)

Gene: MYOM1 (myomesin 1; minus strand). Cytogenetic location: 18p11.31.
Variant type: single nucleotide variant.
Coding change: c.3323G>A on transcript NM_003803.4 (MANE Select); coding-DNA position 3323, G replaced by A.
Protein change: p.Gly1108Asp; replaces glycine 1108 with aspartic acid.
Molecular consequence: missense variant.
Genome position (GRCh38, 1-based): chr18:3,112,393, C>T on the plus strand (G>A on the coding strand, the complement: MYOM1 is on the minus strand). VCF-style: chr18-3112393-C-T. GRCh37 (hg19) VCF-style: chr18-3112391-C-T.
Other names: c.3035G>A, p.Gly1012Asp (NM_019856.2); short protein forms G1012D, G1108D.
Identifiers: ClinVar variation 3016141 (VCV003016141.3), dbSNP rs1479119401, ClinGen allele CA401704906.
Genomic context (GRCh38, chr18:3,112,393, plus strand): 5'-TCAGATGGCTTCCCAACTCCCGCCTGGTTTATGGCTCGAACACGGAACACGTAGCTGACG[C>T]CCTCCTTGAGGCCTCGAACCTGGTAGAAGCAGGTGTAGAAGCAATGGGTGTTTGATGAAG-3'
Protein context (NP_003794.3, residues 1098-1118): VYLKVRGLKE[Gly1108Asp]VSYVFRVRAI

ClinVar aggregate classification (germline): Uncertain significance (1 of 4 stars; one submission).

Conditions:
Hypertrophic cardiomyopathy. Also called: HYPERTROPHIC MYOCARDIOPATHY. Identifiers: Orphanet 217569, MedGen C0007194, MeSH D002312, MONDO:0005045, HP:0001639.

gnomAD v4.1: 3 of 1,607,108 alleles (0.00019%); highest among the groups gnomAD compares: Non-Finnish European, 0.00017%; no homozygotes.

Submission:

Labcorp Genetics (formerly Invitae), Labcorp
Classification: Uncertain significance for Hypertrophic cardiomyopathy. Last evaluated: 2025-09-10. Review status: criteria provided, single submitter. Criteria: Invitae Variant Classification Sherloc (09022015). Collection method: clinical testing. Allele origin: germline.
Comment: This sequence change replaces glycine, which is neutral and non-polar, with aspartic acid, which is acidic and polar, at codon 1108 of the MYOM1 protein (p.Gly1108Asp). This variant is present in population databases (no rsID available, gnomAD 0.0009%). This variant has not been reported in the literature in individuals affected with MYOM1-related conditions. ClinVar contains an entry for this variant (Variation ID: 3016141). Invitae Evidence Modeling of protein sequence and biophysical properties (such as structural, functional, and spatial information, amino acid conservation, physicochemical variation, residue mobility, and thermodynamic stability) has been performed for this missense variant. However, the output from this modeling did not meet the statistical confidence thresholds required to predict the impact of this variant on MYOM1 protein function. In summary, the available evidence is currently insufficient to determine the role of this variant in disease. Therefore, it has been classified as a Variant of Uncertain Significance.